The following is an entry in ClinVar:

ClinVar aggregate classification (germline): Benign/Likely benign. Review status: criteria provided, multiple submitters, no conflicts (2 of 4 stars). 3 submissions from 3 submitters: Benign (1); Likely benign (2). Last evaluated 2026-01-20.

Conditions:
Hereditary cancer-predisposing syndrome. Also called: Neoplastic Syndromes, Hereditary; Hereditary neoplastic syndrome; Tumor predisposition; Hereditary Cancer Syndrome. Identifiers: Orphanet 140162, MedGen C0027672, MeSH D009386, MONDO:0015356.
Renal cell carcinoma. Identifiers: Orphanet 217071, MedGen C0007134, MeSH D002292, MONDO:0005086, HP:0005584.
Papillary renal cell carcinoma type 1 (RCCP1). Also called: Renal adenocarcinoma; Renal cell carcinoma 1; Renal cell carcinoma, somatic; RENAL CELL CARCINOMA, PAPILLARY, 1, SOMATIC. Identifiers: Orphanet 47044, MedGen C1336839, OMIM 605074, HP:0011797.

Allele frequency attached by ClinVar (database versions not stated): gnomAD exomes 0.00001 and 0.00005; ExAC 0.00003.
gnomAD v4.1: 21 of 1,613,314 alleles (0.0013%); highest among the groups gnomAD compares: South Asian, 0.022%; no homozygotes.

Submissions (3):

Labcorp Genetics (formerly Invitae), Labcorp
Classification: Likely benign for Renal cell carcinoma. Last evaluated: 2026-01-20. Review status: criteria provided, single submitter. Criteria: Invitae Variant Classification Sherloc (09022015). Collection method: clinical testing. Allele origin: germline.

Myriad Genetics, Inc.
Classification: Benign for Papillary renal cell carcinoma type 1. Last evaluated: 2024-11-08. Review status: criteria provided, single submitter. Criteria: Myriad Autosomal Dominant, Autosomal Recessive and X-Linked Classification Criteria (2023). Collection method: clinical testing. Allele origin: unknown.
Comment: This variant is considered benign. This variant is a silent/synonymous amino acid change and it is not expected to impact splicing.

Ambry Genetics
Classification: Likely benign for Hereditary cancer-predisposing syndrome. Last evaluated: 2022-08-03. Review status: criteria provided, single submitter. Criteria: Ambry Variant Classification Scheme 2023. Collection method: clinical testing. Allele origin: germline.

NM_000245.4(MET):c.1956C>T (p.Phe652=)

Gene: MET (MET proto-oncogene, receptor tyrosine kinase; plus strand). Cytogenetic location: 7q31.2.
Variant type: single nucleotide variant.
Coding change: c.1956C>T on transcript NM_000245.4 (MANE Select); coding-DNA position 1956, C replaced by T.
Protein change: p.Phe652=; no amino-acid change (phenylalanine 652 retained).
Molecular consequence: synonymous variant.
Genome position (GRCh38, 1-based): chr7:116,757,530, C>T. VCF-style: chr7-116757530-C-T. GRCh37 (hg19) VCF-style: chr7-116397584-C-T.
Other names: c.1956C>T, p.Phe652= (NM_001127500.3, NM_001324401.3); c.666C>T, p.Phe222= (NM_001324402.2).
Identifiers: ClinVar variation 794244 (VCV000794244.12), dbSNP rs756154521, ClinGen allele CA4448329.